The following is an entry in ClinVar:

NM_000475.5(NR0B1):c.1183C>T (p.Gln395Ter)

Gene: NR0B1 (nuclear receptor subfamily 0 group B member 1; minus strand). Cytogenetic location: Xp21.2.
Variant type: single nucleotide variant.
Coding change: c.1183C>T on transcript NM_000475.5 (MANE Select); coding-DNA position 1183, C replaced by T.
Protein change: p.Gln395Ter; replaces glutamine 395 with a stop codon.
Molecular consequence: nonsense.
Genome position (GRCh38, 1-based): chrX:30,304,809, G>A on the plus strand (C>T on the coding strand, the complement: NR0B1 is on the minus strand). VCF-style: chrX-30304809-G-A. GRCh37 (hg19) VCF-style: chrX-30322926-G-A.
Other names: short protein forms Q395*.
Identifiers: ClinVar variation 10958 (VCV000010958.2), dbSNP rs104894894, ClinGen allele CA255629.

ClinVar aggregate classification (germline): Pathogenic. Review status: criteria provided, single submitter (1 of 4 stars). 2 submissions from 2 submitters: Pathogenic (1). 1 of the submissions does not count toward it. Last evaluated 2016-07-20.

Conditions:
Congenital adrenal hypoplasia, X-linked (AHC). Also called: Isolated X-Linked Adrenal Hypoplasia Congenita; ADRENAL HYPOPLASIA, CONGENITAL, WITH HYPOGONADOTROPIC HYPOGONADISM; X-linked AHC; X-Linked Adrenal Hypoplasia Congenita. Identifiers: Orphanet 95702, MedGen C0342482, MONDO:0010264, OMIM 300200. Disease mechanism: loss of function.

Submissions (2):

GeneDx
Classification: Pathogenic. Last evaluated: 2016-07-20. Review status: criteria provided, single submitter. Criteria: GeneDx Variant Classification (06012015). Collection method: clinical testing. Allele origin: germline. Affected: yes.
Comment: The Q395X nonsense variant in the NR0B1 gene has been reported previously in association with X-linked adrenal hypoplasia (Nakae et al., 1996). This variant is predicted to cause loss of normal protein function through protein truncation. Therefore, we interpret the Q395X variant as pathogenic.

OMIM
Classification: Pathogenic for ADRENAL HYPOPLASIA, CONGENITAL. Last evaluated: 1996-10-01. Review status: no assertion criteria provided. Collection method: literature only. Allele origin: germline. Not counted in ClinVar's aggregate classification.

Literature cited by the submitters: PubMed 8855822 (cited by OMIM).